The following is an entry in ClinVar:

ClinVar aggregate classification (germline): Likely pathogenic. Review status: criteria provided, multiple submitters, no conflicts (2 of 4 stars). 2 submissions from 2 submitters: Likely pathogenic (2). Last evaluated 2022-08-12.

Conditions:
Anemia, nonspherocytic hemolytic, due to G6PD deficiency (CNSHA1). Also called: Favism, susceptibility to; Class I glucose-6-phosphate dehydrogenase deficiency; ANEMIA, CONGENITAL, NONSPHEROCYTIC HEMOLYTIC, 1; Hemolytic anemia due to G6PD deficiency. Identifiers: Orphanet 466026, MedGen C2720289, MONDO:0010480, OMIM 300908.

Submissions (2):

Dunham Lab, University of Washington
Classification: Likely pathogenic for Anemia, nonspherocytic hemolytic, due to G6PD deficiency. Last evaluated: 2022-08-12. Review status: criteria provided, single submitter. Criteria: Bayesian ACMG Guidelines, 2018. Collection method: curation. Allele origin: unknown.
Comment: Affects same amino acid as pathogenic 393R>H (ClinVar ID 10370) (PM5). Predicted to disrupt function (PP3). Alters dimerization domain (PM1). Not found in gnomAD (PM2). Post_P 0.949 (odds of pathogenicity 168.9, Prior_P 0.1).

Labcorp Genetics (formerly Invitae), Labcorp
Classification: Likely pathogenic for Anemia, nonspherocytic hemolytic, due to G6PD deficiency. Last evaluated: 2020-09-21. Review status: criteria provided, single submitter. Criteria: Invitae Variant Classification Sherloc (09022015). Collection method: clinical testing. Allele origin: germline.
Comment: Advanced modeling of protein sequence and biophysical properties (such as structural, functional, and spatial information, amino acid conservation, physicochemical variation, residue mobility, and thermodynamic stability) performed at Invitae indicates that this missense variant is expected to disrupt G6PD protein function. This variant disrupts the p.Arg393 amino acid residue in G6PD. Other variant(s) that disrupt this residue have been determined to be pathogenic (PMID: 9674740, 1536798, 19465117). This suggests that this residue is clinically significant, and that variants that disrupt this residue are likely to be disease-causing. In summary, the currently available evidence indicates that the variant is pathogenic, but additional data are needed to prove that conclusively. Therefore, this variant has been classified as Likely Pathogenic. This variant has not been reported in the literature in individuals with G6PD-related conditions. This sequence change replaces arginine with cysteine at codon 393 of the G6PD protein (p.Arg393Cys). The arginine residue is highly conserved and there is a large physicochemical difference between arginine and cysteine. This variant is not present in population databases (ExAC no frequency).

Literature cited by the submitters: PubMed 31294066 (cited by Dunham Lab, University of Washington); PubMed 9674740 (cited by Labcorp Genetics (formerly Invitae), Labcorp); PubMed 1536798 (cited by Labcorp Genetics (formerly Invitae), Labcorp); PubMed 19465117 (cited by Labcorp Genetics (formerly Invitae), Labcorp).

NM_001360016.2(G6PD):c.1177C>T (p.Arg393Cys)

Gene: G6PD (glucose-6-phosphate dehydrogenase; minus strand). Cytogenetic location: Xq28.
Variant type: single nucleotide variant.
Coding change: c.1177C>T on transcript NM_001360016.2 (MANE Select); coding-DNA position 1177, C replaced by T.
Protein change: p.Arg393Cys; replaces arginine 393 with cysteine.
Molecular consequence: missense variant.
Genome position (GRCh38, 1-based): chrX:154,532,677, G>A on the plus strand (C>T on the coding strand, the complement: G6PD is on the minus strand). VCF-style: chrX-154532677-G-A. GRCh37 (hg19) VCF-style: chrX-153760892-G-A.
Other names: c.1267C>T, p.Arg423Cys (NM_000402.4); c.1177C>T, p.Arg393Cys (NM_001042351.3); short protein forms R393C, R423C.
Identifiers: ClinVar variation 1066811 (VCV001066811.11), dbSNP rs2148328873, ClinGen allele CA415234053.